The following is an entry in ClinVar:

NM_000051.4(ATM):c.6187G>T (p.Gly2063Ter)

Genes: ATM (ATM serine/threonine kinase; plus strand), C11orf65 (chromosome 11 open reading frame 65; minus strand). Cytogenetic location: 11q22.3.
Variant type: single nucleotide variant.
Coding change: c.6187G>T on transcript NM_000051.4 (MANE Select); coding-DNA position 6187, G replaced by T.
Protein change: p.Gly2063Ter; replaces glycine 2063 with a stop codon.
Molecular consequence: nonsense. On other transcripts: intron variant (2).
Genome position (GRCh38, 1-based): chr11:108,316,102, G>T. VCF-style: chr11-108316102-G-T. GRCh37 (hg19) VCF-style: chr11-108186829-G-T.
Other names: c.6187G>T, p.Gly2063Ter (NM_001351834.2); c.641-7031C>A (NM_001330368.2); c.*39-7031C>A (NM_001351110.2); short protein forms G2063*.
Identifiers: ClinVar variation 1332009 (VCV001332009.9), dbSNP rs2136132184, ClinGen allele CA382550758.

ClinVar aggregate classification (germline): Pathogenic. Review status: criteria provided, multiple submitters, no conflicts (2 of 4 stars). 2 submissions from 2 submitters: Pathogenic (2). Last evaluated 2021-12-04.

Conditions:
Hereditary cancer-predisposing syndrome. Also called: Tumor predisposition; Neoplastic Syndromes, Hereditary; Hereditary Cancer Syndrome; Hereditary neoplastic syndrome. Identifiers: Orphanet 140162, MedGen C0027672, MeSH D009386, MONDO:0015356.
Ataxia-telangiectasia syndrome (AT). Also called: Ataxia-telangiectasia; LOUIS-BAR SYNDROME; Ataxia-telangiectasia, complementation group D; AT, COMPLEMENTATION GROUP C; ATAXIA-TELANGIECTASIA, COMPLEMENTATION GROUP A; ATAXIA-TELANGIECTASIA, FRESNO VARIANT. Identifiers: Orphanet 100, MedGen C0004135, MONDO:0008840, OMIM 208900.

Allele frequency attached by ClinVar (database versions not stated): gnomAD exomes below 0.00001.
gnomAD v4.1: 1 of 1,613,988 alleles (0.000062%); highest among the groups gnomAD compares: Non-Finnish European, 0.000085%; no homozygotes.

Submissions (2):

Labcorp Genetics (formerly Invitae), Labcorp
Classification: Pathogenic for Ataxia-telangiectasia syndrome. Last evaluated: 2021-12-04. Review status: criteria provided, single submitter. Criteria: Invitae Variant Classification Sherloc (09022015). Collection method: clinical testing. Allele origin: germline.
Comment: For these reasons, this variant has been classified as Pathogenic. This variant has not been reported in the literature in individuals affected with ATM-related conditions. This sequence change creates a premature translational stop signal (p.Gly2063*) in the ATM gene. It is expected to result in an absent or disrupted protein product. Loss-of-function variants in ATM are known to be pathogenic (PMID: 23807571, 25614872). This variant is not present in population databases (gnomAD no frequency).

Color Diagnostics, LLC DBA Color Health
Classification: Pathogenic for Hereditary cancer-predisposing syndrome. Last evaluated: 2020-12-21. Review status: criteria provided, single submitter. Criteria: ACMG Guidelines, 2015. Collection method: clinical testing. Allele origin: germline.
Comment: This variant changes 1 nucleotide in exon 42 of the ATM gene, creating a premature translation stop signal. This variant is expected to result in an absent or non-functional protein product. To our knowledge, this variant has not been reported in individuals affected with hereditary cancer in the literature. This variant has not been identified in the general population by the Genome Aggregation Database (gnomAD). Loss of ATM function is a known mechanism of disease. Based on the available evidence, this variant is classified as Pathogenic.

Literature cited by the submitters: PubMed 23807571 (cited by Labcorp Genetics (formerly Invitae), Labcorp); PubMed 25614872 (cited by Labcorp Genetics (formerly Invitae), Labcorp).